The following is an entry in ClinVar:

NM_003587.5(DHX16):c.13G>A (p.Ala5Thr)

Gene: DHX16 (DEAH-box helicase 16; minus strand). Cytogenetic location: 6p21.33.
Variant type: single nucleotide variant.
Coding change: c.13G>A on transcript NM_003587.5 (MANE Select); coding-DNA position 13, G replaced by A.
Protein change: p.Ala5Thr; replaces alanine 5 with threonine.
Molecular consequence: missense variant. On other transcripts: 5 prime UTR variant (1), intron variant (1).
Genome position (GRCh38, 1-based): chr6:30,672,829, C>T on the plus strand (G>A on the coding strand, the complement: DHX16 is on the minus strand). VCF-style: chr6-30672829-C-T. GRCh37 (hg19) VCF-style: chr6-30640606-C-T.
Other names: c.-2107G>A (NM_001363515.2); c.27+127G>A (NM_001164239.2); short protein forms A5T.
Identifiers: ClinVar variation 5037458 (VCV005037458.1).
Genomic context (GRCh38, chr6:30,672,829, plus strand): 5'-GCCGCTCGCTCAGCCCCAACACCGAGTGCAGCTCGTCCTGAACCCAGCGCTCCAGACCCG[C>T]CGGCGTCGCCATGGCGACTCACGCTCCCTGCTCCCGGCCCTGAAGCGTCGGGCAGCCGCG-3'
Protein context (NP_003578.2, residues 1-15): MATP[Ala5Thr]GLERWVQDEL

ClinVar aggregate classification (germline): Uncertain significance (1 of 4 stars; one submission).

Submission:

GeneDx
Classification: Uncertain significance. Last evaluated: 2026-04-20. Review status: criteria provided, single submitter. Criteria: GeneDx Variant Classification Process June 2021. Collection method: clinical testing. Allele origin: germline.
Comment: Not observed at significant frequency in large population cohorts (gnomAD); In silico analysis suggests that this missense variant does not alter protein structure/function; Has not been previously published as pathogenic or benign to our knowledge